The following is an entry in ClinVar:

NM_014140.4(SMARCAL1):c.1196C>T (p.Thr399Met)

Gene: SMARCAL1 (SNF2 related chromatin remodeling annealing helicase 1; plus strand). Cytogenetic location: 2q35.
Variant type: single nucleotide variant.
Coding change: c.1196C>T on transcript NM_014140.4 (MANE Select); coding-DNA position 1196, C replaced by T.
Protein change: p.Thr399Met; replaces threonine 399 with methionine.
Molecular consequence: missense variant.
Genome position (GRCh38, 1-based): chr2:216,428,644, C>T. VCF-style: chr2-216428644-C-T. GRCh37 (hg19) VCF-style: chr2-217293367-C-T.
Other names: c.1196C>T, p.Thr399Met (NM_001127207.2); short protein forms T399M.
Identifiers: ClinVar variation 334295 (VCV000334295.48), dbSNP rs139872089, ClinGen allele CA2097812.

ClinVar aggregate classification (germline): Conflicting classifications of pathogenicity. Review status: criteria provided, conflicting classifications (1 of 4 stars). 12 submissions from 12 submitters: Uncertain significance (4); Likely benign (4). 4 of the submissions do not count toward it. Last evaluated 2026-07-01.

Conditions:
SMARCAL1-related disorder. Also called: SMARCAL1-related condition.
Schimke immuno-osseous dysplasia (SIOD). Also called: Schimke Immunoosseous Dysplasia. Identifiers: Orphanet 1830, MedGen C0877024, MONDO:0009458, OMIM 242900.

Allele frequency attached by ClinVar (database versions not stated): 1000 Genomes Project 0.00040; 1000 Genomes Project 30x 0.00047; ExAC 0.00107; gnomAD exomes 0.00128 and 0.00192; gnomAD 0.00129; TOPMed 0.00145; ESP Exome Variant Server 0.00154.

Submissions (12):

CeGaT Center for Human Genetics Tuebingen
Classification: Likely benign. Last evaluated: 2026-07-01. Review status: criteria provided, single submitter. Criteria: CeGaT Center For Human Genetics Tuebingen Variant Classification Criteria Version 2. Collection method: clinical testing. Allele origin: germline. Affected: yes. Observed: 5 variant alleles.
Comment: SMARCAL1: BP4

Labcorp Genetics (formerly Invitae), Labcorp
Classification: Likely benign for Schimke immuno-osseous dysplasia. Last evaluated: 2026-01-27. Review status: criteria provided, single submitter. Criteria: Invitae Variant Classification Sherloc (09022015). Collection method: clinical testing. Allele origin: germline.

Blueprint Genetics
Classification: Likely benign. Last evaluated: 2024-11-19. Review status: criteria provided, single submitter. Criteria: ACMG Guidelines, 2015. Collection method: clinical testing. Allele origin: germline.

ARUP Laboratories, Molecular Genetics and Genomics, ARUP Laboratories
Classification: Likely benign for Schimke immuno-osseous dysplasia. Last evaluated: 2023-09-06. Review status: criteria provided, single submitter. Criteria: ARUP Molecular Germline Variant Investigation Process 2024. Collection method: clinical testing. Allele origin: germline.

Centre of Medical Genetics, University Hospital Muenster
Classification: Uncertain significance. Last evaluated: 2023-03-02. Review status: criteria provided, single submitter. Criteria: ACMG Guidelines, 2015. Collection method: clinical testing. Allele origin: unknown. Affected: yes. Observed: 1 variant allele, 1 heterozygote.
Comment: ACMG categories: PM2,BP4

GeneDx
Classification: Uncertain significance. Last evaluated: 2020-04-20. Review status: criteria provided, single submitter. Criteria: GeneDx Variant Classification Process June 2021. Collection method: clinical testing. Allele origin: germline. Affected: yes.
Comment: Has not been previously published as pathogenic or benign to our knowledge; In silico analysis, which includes protein predictors and evolutionary conservation, supports that this variant does not alter protein structure/function

Eurofins Ntd Llc (ga)
Classification: Uncertain significance. Last evaluated: 2018-04-27. Review status: criteria provided, single submitter. Criteria: EGL ClinVar v180209 classification definitions. Collection method: clinical testing. Allele origin: germline. Observed: 2 variant alleles, 2 heterozygotes.

Illumina Laboratory Services, Illumina
Classification: Uncertain significance for Schimke immuno-osseous dysplasia. Last evaluated: 2018-01-13. Review status: criteria provided, single submitter. Criteria: ICSL Variant Classification Criteria 13 December 2019. Collection method: clinical testing. Allele origin: germline.

PreventionGenetics, part of Exact Sciences
Classification: Likely benign for SMARCAL1-related condition. Last evaluated: 2022-02-14. Review status: no assertion criteria provided. Collection method: clinical testing. Allele origin: germline. Not counted in ClinVar's aggregate classification.
Comment: This variant is classified as likely benign based on ACMG/AMP sequence variant interpretation guidelines (Richards et al. 2015 PMID: 25741868, with internal and published modifications).

Natera, Inc.
Classification: Likely benign for Schimke immuno-osseous dysplasia. Last evaluated: 2019-12-18. Review status: no assertion criteria provided. Collection method: clinical testing. Allele origin: germline. Not counted in ClinVar's aggregate classification.

Clinical Genetics DNA and cytogenetics Diagnostics Lab, Erasmus MC, Erasmus Medical Center
Classification: Likely benign. Review status: no assertion criteria provided. Collection method: clinical testing. Allele origin: germline. Affected: yes. Study: VKGL Data-share Consensus. Not counted in ClinVar's aggregate classification.

Genome Diagnostics Laboratory, University Medical Center Utrecht
Classification: Likely benign. Review status: no assertion criteria provided. Collection method: clinical testing. Allele origin: germline. Affected: yes. Study: VKGL Data-share Consensus. Not counted in ClinVar's aggregate classification.